The following is an entry in ClinVar:

ClinVar aggregate classification (germline): Uncertain significance (1 of 4 stars; one submission).

Conditions:
Catecholaminergic polymorphic ventricular tachycardia 1. Also called: VENTRICULAR TACHYCARDIA, CATECHOLAMINERGIC POLYMORPHIC, 1, WITH OR WITHOUT ATRIAL DYSFUNCTION AND/OR DILATED CARDIOMYOPATHY; VENTRICULAR TACHYCARDIA, STRESS-INDUCED POLYMORPHIC 1; RYR2-Related Catecholaminergic Polymorphic Ventricular Tachycardia. Identifiers: Orphanet 3286, MedGen C1631597, MONDO:0011484, OMIM 604772.

Allele frequency attached by ClinVar (database versions not stated): gnomAD exomes below 0.00001.
gnomAD v4.1: 1 of 1,614,014 alleles (0.000062%); highest among the groups gnomAD compares: African/African-American, 0.0013%; no homozygotes.

Submission:

Labcorp Genetics (formerly Invitae), Labcorp
Classification: Uncertain significance for Catecholaminergic polymorphic ventricular tachycardia 1. Last evaluated: 2023-01-08. Review status: criteria provided, single submitter. Criteria: Invitae Variant Classification Sherloc (09022015). Collection method: clinical testing. Allele origin: germline.
Comment: In summary, the available evidence is currently insufficient to determine the role of this variant in disease. Therefore, it has been classified as a Variant of Uncertain Significance. Advanced modeling of protein sequence and biophysical properties (such as structural, functional, and spatial information, amino acid conservation, physicochemical variation, residue mobility, and thermodynamic stability) performed at Invitae indicates that this missense variant is not expected to disrupt RYR2 protein function. This variant has not been reported in the literature in individuals affected with RYR2-related conditions. This variant is not present in population databases (gnomAD no frequency). This sequence change replaces leucine, which is neutral and non-polar, with valine, which is neutral and non-polar, at codon 787 of the RYR2 protein (p.Leu787Val).

NM_001035.3(RYR2):c.2359C>G (p.Leu787Val)

Gene: RYR2 (ryanodine receptor 2; plus strand). Cytogenetic location: 1q43.
Variant type: single nucleotide variant.
Coding change: c.2359C>G on transcript NM_001035.3 (MANE Select); coding-DNA position 2359, C replaced by G.
Protein change: p.Leu787Val; replaces leucine 787 with valine.
Molecular consequence: missense variant.
Genome position (GRCh38, 1-based): chr1:237,500,866, C>G. VCF-style: chr1-237500866-C-G. GRCh37 (hg19) VCF-style: chr1-237664166-C-G.
Other names: short protein forms L787V.
Identifiers: ClinVar variation 2826983 (VCV002826983.3), dbSNP rs2545869451, ClinGen allele CA345393328.